The following is an entry in ClinVar:

NM_172364.5(CACNA2D4):c.2868C>T (p.Ser956=)

Gene: CACNA2D4 (calcium voltage-gated channel auxiliary subunit alpha2delta 4; minus strand). Cytogenetic location: 12p13.33.
Variant type: single nucleotide variant.
Coding change: c.2868C>T on transcript NM_172364.5 (MANE Select); coding-DNA position 2868, C replaced by T.
Protein change: p.Ser956=; no amino-acid change (serine 956 retained).
Molecular consequence: synonymous variant.
Genome position (GRCh38, 1-based): chr12:1,801,043, G>A on the plus strand (C>T on the coding strand, the complement: CACNA2D4 is on the minus strand). VCF-style: chr12-1801043-G-A. GRCh37 (hg19) VCF-style: chr12-1910209-G-A.
Identifiers: ClinVar variation 1052115 (VCV001052115.8), dbSNP rs775565288, ClinGen allele CA6386175.
Genomic context (GRCh38, chr12:1,801,043, plus strand): 5'-CAGGACAGGGCAGAGGACTGGCTGGCTGGCTGGCAGAGGGAAGGGCTGGGTGACACTCAC[G>A]CTGACCAGGGGCTGGGCTGCACTGTGGTGGTGACTCGAGGGTTTGCACATGGCCTGATAG-3'
Protein context (NP_758952.4, residues 946-966): HHHSAAQPLV[Ser956=]PISAFLTATR

ClinVar aggregate classification (germline): Uncertain significance (1 of 4 stars; one submission).

Allele frequency attached by ClinVar (database versions not stated): ExAC 0.00002; gnomAD exomes 0.00002 and 0.00004; TOPMed 0.00003.
gnomAD v4.1: 23 of 1,612,868 alleles (0.0014%); highest among the groups gnomAD compares: South Asian, 0.0099%; no homozygotes.

Submission:

Labcorp Genetics (formerly Invitae), Labcorp
Classification: Uncertain significance. Last evaluated: 2026-01-05. Review status: criteria provided, single submitter. Criteria: Invitae Variant Classification Sherloc (09022015). Collection method: clinical testing. Allele origin: germline.
Comment: This sequence change affects codon 956 of the CACNA2D4 mRNA. It is a 'silent' change, meaning that it does not change the encoded amino acid sequence of the CACNA2D4 protein. It affects a nucleotide within the consensus splice site. This variant is present in population databases (rs775565288, gnomAD 0.01%). This variant has not been reported in the literature in individuals affected with CACNA2D4-related conditions. ClinVar contains an entry for this variant (Variation ID: 1052115). Algorithms developed to predict the effect of sequence changes on RNA splicing suggest that this variant may create or strengthen a splice site. In summary, the available evidence is currently insufficient to determine the role of this variant in disease. Therefore, it has been classified as a Variant of Uncertain Significance.